The following is an entry in ClinVar:

NM_001048174.2(MUTYH):c.1067G>A (p.Gly356Glu)

Gene: MUTYH (mutY DNA glycosylase; minus strand). Cytogenetic location: 1p34.1.
Variant type: single nucleotide variant.
Coding change: c.1067G>A on transcript NM_001048174.2 (MANE Select); coding-DNA position 1067, G replaced by A.
Protein change: p.Gly356Glu; replaces glycine 356 with glutamic acid.
Molecular consequence: missense variant. On other transcripts: non-coding transcript variant (2).
Genome position (GRCh38, 1-based): chr1:45,331,696, C>T on the plus strand (G>A on the coding strand, the complement: MUTYH is on the minus strand). VCF-style: chr1-45331696-C-T. GRCh37 (hg19) VCF-style: chr1-45797368-C-T.
Other names: c.1067G>A, p.Gly356Glu (NM_001048171.2, NM_001048173.2, NM_001293195.2); c.1070G>A, p.Gly357Glu (NM_001048172.2); c.1151G>A, p.Gly384Glu (NM_001128425.2); c.1112G>A, p.Gly371Glu (NM_001293190.2); c.1100G>A, p.Gly367Glu (NM_001293191.2); c.791G>A, p.Gly264Glu (NM_001293192.2, NM_001293196.2); c.722G>A, p.Gly241Glu (NM_001350650.2, NM_001350651.2); c.1142G>A, p.Gly381Glu (NM_012222.3); short protein forms G384E, G241E, G264E, G357E, G356E, G367E, G371E, G381E.
Identifiers: ClinVar variation 533309 (VCV000533309.13), dbSNP rs1553126383, ClinGen allele CA340133379.
Genomic context (GRCh38, chr1:45,331,696, plus strand): 5'-CCCTCCACGCCCAGTATCCAGGTACCTGAGTTGGGCCTCTGCACCAGCAGAATTTGGGCC[C>T]CAAGGGCCCCAGGCTGTTCCAGAACACAGGTGGCAGAGCTCTCCTCCCTGGGGGGCTTGC-3'
Protein context (NP_001041639.1, residues 346-366): TCVLEQPGAL[Gly356Glu]AQILLVQRPN

ClinVar aggregate classification (germline): Conflicting classifications of pathogenicity. Review status: criteria provided, conflicting classifications (1 of 4 stars). 2 submissions from 2 submitters: Uncertain significance (1); Benign (1). Last evaluated 2026-01-13.

Conditions:
Hereditary cancer-predisposing syndrome. Also called: Tumor predisposition; Hereditary neoplastic syndrome; Neoplastic Syndromes, Hereditary; Hereditary Cancer Syndrome. Identifiers: Orphanet 140162, MedGen C0027672, MeSH D009386, MONDO:0015356.
Familial adenomatous polyposis 2. Also called: MUTYH Polyposis; COLORECTAL ADENOMATOUS POLYPOSIS, AUTOSOMAL RECESSIVE; ADENOMAS, MULTIPLE COLORECTAL, AUTOSOMAL RECESSIVE; MUTYH-associated polyposis; MUTYH-related attenuated familial adenomatous polyposis; Adenomas, multiple colorectal. Identifiers: Orphanet 220460, Orphanet 247798, MedGen C3272841, MONDO:0012041, OMIM 608456.

Submissions (2):

Labcorp Genetics (formerly Invitae), Labcorp
Classification: Uncertain significance for Familial adenomatous polyposis 2. Last evaluated: 2026-01-13. Review status: criteria provided, single submitter. Criteria: Invitae Variant Classification Sherloc (09022015). Collection method: clinical testing. Allele origin: germline.
Comment: This sequence change replaces glycine, which is neutral and non-polar, with glutamic acid, which is acidic and polar, at codon 384 of the MUTYH protein (p.Gly384Glu). This variant is not present in population databases (gnomAD no frequency). This variant has not been reported in the literature in individuals affected with MUTYH-related conditions. ClinVar contains an entry for this variant (Variation ID: 533309). An algorithm developed to predict the effect of missense changes on protein structure and function outputs the following: PolyPhen-2: "Benign". The glutamic acid amino acid residue is found in multiple mammalian species, which suggests that this missense change does not adversely affect protein function. In summary, the available evidence is currently insufficient to determine the role of this variant in disease. Therefore, it has been classified as a Variant of Uncertain Significance.

Ambry Genetics
Classification: Benign for Hereditary cancer-predisposing syndrome. Last evaluated: 2025-09-09. Review status: criteria provided, single submitter. Criteria: Ambry Variant Classification Scheme 2023. Collection method: clinical testing. Allele origin: germline.

Literature cited by the submitters: PubMed 40738107 (cited by Ambry Genetics).